The following is an entry in ClinVar:

NM_001292063.2(OTOG):c.6107C>T (p.Thr2036Ile)

Gene: OTOG (otogelin; plus strand). Cytogenetic location: 11p15.1.
Variant type: single nucleotide variant.
Coding change: c.6107C>T on transcript NM_001292063.2 (MANE Select); coding-DNA position 6107, C replaced by T.
Protein change: p.Thr2036Ile; replaces threonine 2036 with isoleucine.
Molecular consequence: missense variant.
Genome position (GRCh38, 1-based): chr11:17,611,407, C>T. VCF-style: chr11-17611407-C-T. GRCh37 (hg19) VCF-style: chr11-17632954-C-T.
Other names: c.6143C>T, p.Thr2048Ile (NM_001277269.2); short protein forms T2036I, T2048I.
Identifiers: ClinVar variation 3340235 (VCV003340235.2).

ClinVar aggregate classification (germline): Uncertain significance. Review status: criteria provided, multiple submitters, no conflicts (2 of 4 stars). 2 submissions from 2 submitters: Uncertain significance (2). Last evaluated 2025-03-26.

Conditions:
OTOG-related disorder. Also called: OTOG-related condition.

Submissions (2):

PreventionGenetics, part of Exact Sciences
Classification: Uncertain significance for OTOG-related condition. Last evaluated: 2025-03-26. Review status: criteria provided, single submitter. Criteria: ACMG Guidelines, 2015. Collection method: clinical testing. Allele origin: germline.
Comment: The OTOG c.6143C>T variant is predicted to result in the amino acid substitution p.Thr2048Ile. To our knowledge, this variant has not been reported in the literature. This variant is reported in 0.013% of alleles in individuals of African descent in gnomAD. At this time, the clinical significance of this variant is uncertain due to the absence of conclusive functional and genetic evidence.

GeneDx
Classification: Uncertain significance. Last evaluated: 2023-12-12. Review status: criteria provided, single submitter. Criteria: GeneDx Variant Classification Process June 2021. Collection method: clinical testing. Allele origin: germline. Affected: yes.
Comment: In silico analysis supports that this missense variant does not alter protein structure/function; Has not been previously published as pathogenic or benign to our knowledge